The following is an entry in ClinVar:

ClinVar aggregate classification (germline): Uncertain significance (1 of 4 stars; one submission).

Conditions:
KMT2D-related disorder. Also called: KMT2D-Related Disorders.

Submission:

PreventionGenetics, part of Exact Sciences
Classification: Uncertain significance for KMT2D-related condition. Last evaluated: 2022-12-10. Review status: criteria provided, single submitter. Criteria: ACMG Guidelines, 2015. Collection method: clinical testing. Allele origin: germline.
Comment: The KMT2D c.8432A>G variant is predicted to result in the amino acid substitution p.Gln2811Arg. To our knowledge, this variant has not been reported in the literature in individuals with KMT2D-related disorders or in a large population database, indicating this variant is rare. At this time, the clinical significance of this variant is uncertain due to the absence of conclusive functional and genetic evidence.

NM_003482.4(KMT2D):c.8432A>G (p.Gln2811Arg)

Gene: KMT2D (lysine methyltransferase 2D; minus strand). Cytogenetic location: 12q13.12.
Variant type: single nucleotide variant.
Coding change: c.8432A>G on transcript NM_003482.4 (MANE Select); coding-DNA position 8432, A replaced by G.
Protein change: p.Gln2811Arg; replaces glutamine 2811 with arginine.
Molecular consequence: missense variant.
Genome position (GRCh38, 1-based): chr12:49,038,924, T>C on the plus strand (A>G on the coding strand, the complement: KMT2D is on the minus strand). VCF-style: chr12-49038924-T-C. GRCh37 (hg19) VCF-style: chr12-49432707-T-C.
Other names: short protein forms Q2811R.
Identifiers: ClinVar variation 2629590 (VCV002629590.1), dbSNP rs2120506051, ClinGen allele CA384742311.